The following is an entry in ClinVar:

NM_004629.2(FANCG):c.1814G>C (p.Arg605Pro)

Gene: FANCG (FA complementation group G; minus strand). Cytogenetic location: 9p13.3.
Variant type: single nucleotide variant.
Coding change: c.1814G>C on transcript NM_004629.2 (MANE Select); coding-DNA position 1814, G replaced by C.
Protein change: p.Arg605Pro; replaces arginine 605 with proline.
Molecular consequence: missense variant.
Genome position (GRCh38, 1-based): chr9:35,074,163, C>G on the plus strand (G>C on the coding strand, the complement: FANCG is on the minus strand). VCF-style: chr9-35074163-C-G. GRCh37 (hg19) VCF-style: chr9-35074160-C-G.
Other names: short protein forms R605P.
Identifiers: ClinVar variation 4254468 (VCV004254468.1).
Genomic context (GRCh38, chr9:35,074,163, plus strand): 5'-GGCAGCTACAGGTCACAAGACTTTGGCAGAGATGTCCGAAATTCTTCAAGGAAGGCGTCA[C>G]GATCAGAGGGACGGATCCAGCTCAAATAGCTTTCTAGGTACAGGGGGAGAGACCTGGAGA-3'
Protein context (NP_004620.1, residues 595-615): SYLSWIRPSD[Arg605Pro]DAFLEEFRTS

ClinVar aggregate classification (germline): Uncertain significance (1 of 4 stars; one submission).

Conditions:
Inborn genetic diseases. Identifiers: MedGen C0950123, MeSH D030342.

Submission:

Ambry Genetics
Classification: Uncertain significance for Inborn genetic diseases. Last evaluated: 2025-08-08. Review status: criteria provided, single submitter. Criteria: Ambry Variant Classification Scheme 2023. Collection method: clinical testing. Allele origin: germline.
Comment: The p.R605P variant (also known as c.1814G>C), located in coding exon 14 of the FANCG gene, results from a G to C substitution at nucleotide position 1814. The arginine at codon 605 is replaced by proline, an amino acid with dissimilar properties. This amino acid position is conserved. In addition, this alteration is predicted to be tolerated by in silico analysis. Based on the available evidence, the clinical significance of this variant remains unclear.